The following is an entry in ClinVar:

ClinVar aggregate classification (germline): Uncertain significance (1 of 4 stars; one submission).

Conditions:
Hereditary cancer-predisposing syndrome. Also called: Neoplastic Syndromes, Hereditary; Tumor predisposition; Hereditary Cancer Syndrome; Hereditary neoplastic syndrome. Identifiers: Orphanet 140162, MedGen C0027672, MeSH D009386, MONDO:0015356.

gnomAD v4.1: 1 of 1,614,034 alleles (0.000062%); highest among the groups gnomAD compares: Non-Finnish European, 0.000085%; no homozygotes.

Submission:

Ambry Genetics
Classification: Uncertain significance for Hereditary cancer-predisposing syndrome. Last evaluated: 2025-11-30. Review status: criteria provided, single submitter. Criteria: Ambry Variant Classification Scheme 2023. Collection method: clinical testing. Allele origin: germline.
Comment: The p.E438G variant (also known as c.1313A>G), located in coding exon 8 of the PDGFRA gene, results from an A to G substitution at nucleotide position 1313. The glutamic acid at codon 438 is replaced by glycine, an amino acid with similar properties. This amino acid position is conserved. In addition, this alteration is predicted to be tolerated by in silico analysis. Based on the available evidence, the clinical significance of this variant remains unclear.

NM_006206.6(PDGFRA):c.1313A>G (p.Glu438Gly)

Gene: PDGFRA (platelet derived growth factor receptor alpha; plus strand). Cytogenetic location: 4q12.
Variant type: single nucleotide variant.
Coding change: c.1313A>G on transcript NM_006206.6 (MANE Select); coding-DNA position 1313, A replaced by G.
Protein change: p.Glu438Gly; replaces glutamic acid 438 with glycine.
Molecular consequence: missense variant.
Genome position (GRCh38, 1-based): chr4:54,272,469, A>G. VCF-style: chr4-54272469-A-G. GRCh37 (hg19) VCF-style: chr4-55138636-A-G.
Other names: c.1313A>G, p.Glu438Gly (NM_001347827.2, NM_001347829.2); c.1388A>G, p.Glu463Gly (NM_001347828.2); c.1352A>G, p.Glu451Gly (NM_001347830.2); short protein forms E438G, E451G, E463G.
Identifiers: ClinVar variation 4665536 (VCV004665536.1).